The following is an entry in ClinVar:

ClinVar aggregate classification (germline): Benign. Review status: criteria provided, single submitter (1 of 4 stars). 2 submissions from 2 submitters: Benign (1). 1 of the submissions does not count toward it. Last evaluated 2017-12-04.

Conditions:
LRIG2-related disorder. Also called: LRIG2-related condition.

Allele frequency attached by ClinVar (database versions not stated): gnomAD exomes 0.00034; ExAC 0.00043; gnomAD 0.00127 and 0.00134; TOPMed 0.00136.
gnomAD v4.1: 372 of 1,587,612 alleles (0.023%); highest among the groups gnomAD compares: African/African-American, 0.46%; no homozygotes.

Submissions (2):

Labcorp Genetics (formerly Invitae), Labcorp
Classification: Benign. Last evaluated: 2017-12-04. Review status: criteria provided, single submitter. Criteria: Invitae Variant Classification Sherloc (09022015). Collection method: clinical testing. Allele origin: germline.

PreventionGenetics, part of Exact Sciences
Classification: Likely benign for LRIG2-related condition. Last evaluated: 2019-06-07. Review status: no assertion criteria provided. Collection method: clinical testing. Allele origin: germline. Not counted in ClinVar's aggregate classification.
Comment: This variant is classified as likely benign based on ACMG/AMP sequence variant interpretation guidelines (Richards et al. 2015 PMID: 25741868, with internal and published modifications).

NM_014813.3(LRIG2):c.2680+7A>G

Gene: LRIG2 (leucine rich repeats and immunoglobulin like domains 2; plus strand). Cytogenetic location: 1p13.2.
Variant type: single nucleotide variant.
Coding change: c.2680+7A>G on transcript NM_014813.3 (MANE Select); 7 bases into the intron after coding-DNA position 2680, A replaced by G.
Molecular consequence: intron variant.
Genome position (GRCh38, 1-based): chr1:113,116,443, A>G. VCF-style: chr1-113116443-A-G. GRCh37 (hg19) VCF-style: chr1-113659065-A-G.
Other names: c.2371+7A>G (NM_001312686.2).
Identifiers: ClinVar variation 729081 (VCV000729081.5), dbSNP rs201929988, ClinGen allele CA1012303.